The following is an entry in ClinVar:

NM_002382.5(MAX):c.172-6169A>T

Gene: MAX (MYC associated transcriptional regulator X; minus strand). Cytogenetic location: 14q23.3.
Variant type: single nucleotide variant.
Coding change: c.172-6169A>T on transcript NM_002382.5 (MANE Select); 6169 bases into the intron before coding-DNA position 172, A replaced by T.
Molecular consequence: intron variant. On other transcripts: missense variant (3), 3 prime UTR variant (1), non-coding transcript variant (4).
Genome position (GRCh38, 1-based): chr14:65,084,205, T>A on the plus strand (A>T on the coding strand, the complement: MAX is on the minus strand). VCF-style: chr14-65084205-T-A. GRCh37 (hg19) VCF-style: chr14-65550923-T-A.
Other names: c.239A>T, p.His80Leu (NM_001271068.2, NM_001407113.1); c.*40A>T (NM_001407114.1); c.266A>T, p.His89Leu (NM_145114.3); c.144+9503A>T (NM_001271069.2); c.171+9503A>T (NM_197957.4); c.-196-6169A>T (NM_001407112.1, NM_001407111.1); c.-103-6169A>T (NM_001407106.1, NM_001407107.1, NM_001320415.2 and 1 more transcripts); c.145-6169A>T (NM_001407095.1, NM_001407110.1, NM_001407102.1 and 6 more transcripts); and 2 more; short protein forms H80L, H89L.
Identifiers: ClinVar variation 5023975 (VCV005023975.1).

ClinVar aggregate classification (germline): Uncertain significance (1 of 4 stars; one submission).

Conditions:
Hereditary cancer-predisposing syndrome. Also called: Neoplastic Syndromes, Hereditary; Tumor predisposition; Hereditary neoplastic syndrome; Hereditary Cancer Syndrome. Identifiers: Orphanet 140162, MedGen C0027672, MeSH D009386, MONDO:0015356.

Submission:

Ambry Genetics
Classification: Uncertain significance for Hereditary cancer-predisposing syndrome. Last evaluated: 2026-07-07. Review status: criteria provided, single submitter. Criteria: Ambry Variant Classification Scheme 2023. Collection method: clinical testing. Allele origin: germline.
Comment: The p.H89L variant (also known as c.266A>T), located in coding exon 4 of the MAX gene, results from an A to T substitution at nucleotide position 266. The histidine at codon 89 is replaced by leucine, an amino acid with similar properties. This amino acid position is conserved. In addition, this alteration is predicted to be tolerated by in silico analysis. Based on the available evidence, the clinical significance of this variant remains unclear.